The following is an entry in ClinVar:

NM_002180.3(IGHMBP2):c.1766del (p.Gly589fs)

Gene: IGHMBP2 (immunoglobulin mu DNA binding protein 2; plus strand). Cytogenetic location: 11q13.3.
Variant type: Deletion.
Coding change: c.1766del on transcript NM_002180.3 (MANE Select); coding-DNA position 1766, one base deleted (G; older notation c.1766delG).
Protein change: p.Gly589fs; shifts the reading frame from glycine 589.
Molecular consequence: frameshift variant.
Genome position (GRCh38, 1-based): chr11:68,936,246, G deleted; the last of 2 consecutive G bases (chr11:68,936,245-68,936,246); deleting either gives the same sequence. VCF-style (leftmost placement, unchanged base first): chr11-68936244-TG-T. GRCh37 (hg19) VCF-style: chr11-68703712-TG-T.
Other names: short protein forms G589fs.
Identifiers: ClinVar variation 4856325 (VCV004856325.1).

ClinVar aggregate classification (germline): Pathogenic (1 of 4 stars; one submission).

Conditions:
Autosomal recessive distal spinal muscular atrophy 1. Also called: HMN VI; NEURONOPATHY, SEVERE INFANTILE AXONAL, WITH RESPIRATORY FAILURE; SEVERE INFANTILE AXONAL NEUROPATHY WITH RESPIRATORY FAILURE; NEURONOPATHY, DISTAL HEREDITARY MOTOR, HARDING TYPE VI; NEUROPATHY, DISTAL HEREDITARY MOTOR, AUTOSOMAL RECESSIVE 1; SPINAL MUSCULAR ATROPHY, DIAPHRAGMATIC. Identifiers: Orphanet 98920, MedGen C1858517, MONDO:0011436, OMIM 604320.

Submission:

3billion
Classification: Pathogenic for Autosomal recessive distal spinal muscular atrophy 1. Last evaluated: 2025-07-31. Review status: criteria provided, single submitter. Criteria: ACMG Guidelines, 2015. Collection method: clinical testing. Allele origin: germline. Affected: yes.
Comment: The variant is not observed in the gnomAD v4.1.0 dataset. Predicted Consequence/Location: Frameshift: predicted to result in a loss or disruption of normal protein function through nonsense-mediated decay (NMD) or protein truncation. Multiple pathogenic variants are reported downstream of the variant. Therefore, this variant is classified as Pathogenic according to the recommendation of ACMG/AMP guideline.